The following is an entry in ClinVar:

ClinVar aggregate classification (germline): Uncertain significance (1 of 4 stars; one submission).

Submission:

Labcorp Genetics (formerly Invitae), Labcorp
Classification: Uncertain significance. Last evaluated: 2023-08-09. Review status: criteria provided, single submitter. Criteria: Invitae Variant Classification Sherloc (09022015). Collection method: clinical testing. Allele origin: germline.
Comment: This variant is not present in population databases (gnomAD no frequency). This variant has not been reported in the literature in individuals affected with SOX10-related conditions. This variant disrupts a region of the SOX10 protein in which other variant(s) (p.Gly409*) have been observed in individuals with SOX10-related conditions (PMID: 34095692). This suggests that this is a clinically significant region of the protein, and that variants that disrupt it are likely to be disease-causing. In summary, the available evidence is currently insufficient to determine the role of this variant in disease. Therefore, it has been classified as a Variant of Uncertain Significance. This sequence change creates a premature translational stop signal (p.Asp404*) in the SOX10 gene. While this is not anticipated to result in nonsense mediated decay, it is expected to disrupt the last 63 amino acid(s) of the SOX10 protein.

Literature cited by the submitters: PubMed 34095692.

NM_006941.4(SOX10):c.1209dup (p.Asp404Ter)

Genes: POLR2F (RNA polymerase II, I and III subunit F; plus strand), SOX10 (SRY-box transcription factor 10; minus strand). Cytogenetic location: 22q13.1.
Variant type: Duplication.
Coding change: c.1209dup on transcript NM_006941.4 (MANE Select); coding-DNA position 1209, one base duplicated (T; older notation c.1209dupT).
Protein change: p.Asp404Ter; replaces aspartic acid 404 with a stop codon.
Molecular consequence: nonsense. On other transcripts: intron variant (3).
Genome position (GRCh38, 1-based): chr22:37,973,687, A duplicated on the plus strand (T on the coding strand, the reverse complement: SOX10 is on the minus strand). VCF-style (leftmost placement, unchanged base first): chr22-37973686-C-CA. GRCh37 (hg19) VCF-style: chr22-38369693-C-CA.
Other names: c.*38+1377dup (NM_001363825.1); c.293+6517dup (NM_001301130.2, NM_001301131.2); short protein forms D404*.
Identifiers: ClinVar variation 2748832 (VCV002748832.3), dbSNP rs2518041569, ClinGen allele CA2697552755.